The following is an entry in ClinVar:

ClinVar aggregate classification (germline): Likely pathogenic (1 of 4 stars; one submission).

Conditions:
Developmental and epileptic encephalopathy 94 (DEE94). Also called: Epileptic encephalopathy, childhood-onset; CHD2-Related Neurodevelopmental Disorders. Identifiers: Orphanet 1942, Orphanet 2382, MedGen C3809278, MONDO:0014150, OMIM 615369.

Submission:

Labcorp Genetics (formerly Invitae), Labcorp
Classification: Likely pathogenic for Developmental and epileptic encephalopathy 94. Last evaluated: 2023-01-30. Review status: criteria provided, single submitter. Criteria: Invitae Variant Classification Sherloc (09022015). Collection method: clinical testing. Allele origin: unknown.
Comment: In summary, the currently available evidence indicates that the variant is pathogenic, but additional data are needed to prove that conclusively. Therefore, this variant has been classified as Likely Pathogenic. This variant has not been reported in the literature in individuals affected with CHD2-related conditions. This variant results in a copy number gain of the genomic region encompassing exon(s) 29-30 of the CHD2 gene. While the exact position of this variant cannot be determined from the data, sub-genic copy number gains are generally in tandem (PMID: 25640679). This variant is predicted to be out-of-frame, and may result in an absent or disrupted protein product. Loss-of-function variants in CHD2 are known to be pathogenic (PMID: 23708187, 24207121).

Literature cited by the submitters: PubMed 25640679; PubMed 23708187; PubMed 24207121.

NC_000015.9:g.(?_93540167)_(93540653_?)dup

Gene: CHD2 (chromodomain helicase DNA binding protein 2; plus strand). Cytogenetic location: 15q26.1.
Variant type: Duplication.
Identifiers: ClinVar variation 3243823 (VCV003243823.1).